The following is an entry in ClinVar:

ClinVar aggregate classification (germline): Uncertain significance. Review status: criteria provided, multiple submitters, no conflicts (2 of 4 stars). 3 submissions from 3 submitters: Uncertain significance (3). Last evaluated 2026-09-30.

Conditions:
Autosomal recessive ataxia, Beauce type. Also called: Spinocerebellar ataxia, autosomal recessive 8; SYNE1-Related Autosomal Recessive Cerebellar Ataxia; SYNE1 Deficiency; ATAXIA, RECESSIVE, OF BEAUCE. Identifiers: Orphanet 88644, MedGen C1853116, MONDO:0012549, OMIM 610743.
Emery-Dreifuss muscular dystrophy 4, autosomal dominant (EDMD4). Also called: EMERY-DREIFUSS MUSCULAR DYSTROPHY 4 WITH VARIABLE FEATURES. Identifiers: Orphanet 261, MedGen C2751807, MONDO:0013071, OMIM 612998.
Arthrogryposis multiplex congenita 3, myogenic type. Also called: ARTHROGRYPOSIS MULTIPLEX CONGENITA, MYOGENIC TYPE. Identifiers: MedGen C5193121, MONDO:0032778, OMIM 618484.

Allele frequency attached by ClinVar (database versions not stated): gnomAD exomes 0.00003 and 0.00001; ExAC 0.00006; 1000 Genomes Project 30x 0.00016; ESP Exome Variant Server 0.00038; TOPMed 0.00015; gnomAD 0.00017 and 0.00018; 1000 Genomes Project 0.00020.
gnomAD v4.1: 39 of 1,614,224 alleles (0.0024%); highest among the groups gnomAD compares: African/African-American, 0.051%; no homozygotes.

Submissions (3):

GeneDx
Classification: Uncertain significance. Last evaluated: 2026-09-30. Review status: criteria provided, single submitter. Criteria: GeneDx Variant Classification Process June 2021. Collection method: clinical testing. Allele origin: germline.
Comment: In silico analysis suggests that this missense variant does not alter protein structure/function; Has not been previously published as pathogenic or benign to our knowledge

Fulgent Genetics
Classification: Uncertain significance for Autosomal recessive ataxia, Beauce type; Emery-Dreifuss muscular dystrophy 4, autosomal dominant; Arthrogryposis multiplex congenita 3, myogenic type. Last evaluated: 2024-06-19. Review status: criteria provided, single submitter. Criteria: ACMG Guidelines, 2015. Collection method: clinical testing. Allele origin: germline.

Labcorp Genetics (formerly Invitae), Labcorp
Classification: Uncertain significance for Emery-Dreifuss muscular dystrophy 4, autosomal dominant; Autosomal recessive ataxia, Beauce type. Last evaluated: 2022-03-12. Review status: criteria provided, single submitter. Criteria: Invitae Variant Classification Sherloc (09022015). Collection method: clinical testing. Allele origin: germline.
Comment: In summary, the available evidence is currently insufficient to determine the role of this variant in disease. Therefore, it has been classified as a Variant of Uncertain Significance. Algorithms developed to predict the effect of missense changes on protein structure and function (SIFT, PolyPhen-2, Align-GVGD) all suggest that this variant is likely to be tolerated. This variant has not been reported in the literature in individuals affected with SYNE1-related conditions. This variant is present in population databases (rs143467834, gnomAD 0.04%). This sequence change replaces isoleucine, which is neutral and non-polar, with valine, which is neutral and non-polar, at codon 1912 of the SYNE1 protein (p.Ile1912Val).

NM_182961.4(SYNE1):c.5713A>G (p.Ile1905Val)

Gene: SYNE1 (spectrin repeat containing nuclear envelope protein 1; minus strand). Cytogenetic location: 6q25.2.
Variant type: single nucleotide variant.
Coding change: c.5713A>G on transcript NM_182961.4 (MANE Select); coding-DNA position 5713, A replaced by G.
Protein change: p.Ile1905Val; replaces isoleucine 1905 with valine.
Molecular consequence: missense variant.
Genome position (GRCh38, 1-based): chr6:152,416,724, T>C on the plus strand (A>G on the coding strand, the complement: SYNE1 is on the minus strand). VCF-style: chr6-152416724-T-C. GRCh37 (hg19) VCF-style: chr6-152737859-T-C.
Other names: c.5734A>G, p.Ile1912Val (NM_033071.5); c.5734A>G (NM_033071.3); short protein forms I1912V, I1905V.
Identifiers: ClinVar variation 1382587 (VCV001382587.10), dbSNP rs143467834, ClinGen allele CA4058226.